The following is an entry in ClinVar:

ClinVar aggregate classification (germline): Uncertain significance. Review status: criteria provided, single submitter (1 of 4 stars). 2 submissions from 2 submitters: Uncertain significance (1). 1 of the submissions does not count toward it. Last evaluated 2023-01-21.

Conditions:
GUCY2C-related disorder. Also called: GUCY2C-related condition.

Allele frequency attached by ClinVar (database versions not stated): gnomAD exomes below 0.00001; ExAC 0.00002; TOPMed 0.00002; gnomAD 0.00007; 1000 Genomes Project 0.00020; 1000 Genomes Project 30x 0.00031.

Submissions (2):

Labcorp Genetics (formerly Invitae), Labcorp
Classification: Uncertain significance. Last evaluated: 2023-01-21. Review status: criteria provided, single submitter. Criteria: Invitae Variant Classification Sherloc (09022015). Collection method: clinical testing. Allele origin: germline.
Comment: In summary, the available evidence is currently insufficient to determine the role of this variant in disease. Therefore, it has been classified as a Variant of Uncertain Significance. Algorithms developed to predict the effect of missense changes on protein structure and function are either unavailable or do not agree on the potential impact of this missense change (SIFT: "Deleterious"; PolyPhen-2: "Possibly Damaging"; Align-GVGD: "Class C0"). This variant has not been reported in the literature in individuals affected with GUCY2C-related conditions. This variant is present in population databases (rs559528896, gnomAD 0.01%). This sequence change replaces threonine, which is neutral and polar, with proline, which is neutral and non-polar, at codon 77 of the GUCY2C protein (p.Thr77Pro).

PreventionGenetics, part of Exact Sciences
Classification: Uncertain significance for GUCY2C-related condition. Last evaluated: 2024-09-18. Review status: no assertion criteria provided. Collection method: clinical testing. Allele origin: germline. Not counted in ClinVar's aggregate classification.
Comment: The GUCY2C c.229A>C variant is predicted to result in the amino acid substitution p.Thr77Pro. To our knowledge, this variant has not been reported in the literature. This variant is reported in 0.012% of alleles in individuals of African descent in gnomAD. At this time, the clinical significance of this variant is uncertain due to the absence of conclusive functional and genetic evidence.

NM_004963.4(GUCY2C):c.229A>C (p.Thr77Pro)

Genes: GUCY2C (guanylate cyclase 2C; minus strand), GUCY2C-AS1 (GUCY2C antisense RNA 1; plus strand). Cytogenetic location: 12p12.3.
Variant type: single nucleotide variant.
Coding change: c.229A>C on transcript NM_004963.4 (MANE Select); coding-DNA position 229, A replaced by C.
Protein change: p.Thr77Pro; replaces threonine 77 with proline.
Molecular consequence: missense variant.
Genome position (GRCh38, 1-based): chr12:14,688,052, T>G on the plus strand (A>C on the coding strand, the complement: GUCY2C is on the minus strand). VCF-style: chr12-14688052-T-G. GRCh37 (hg19) VCF-style: chr12-14840986-T-G.
Other names: c.229A>C (NM_004963.3); short protein forms T77P.
Identifiers: ClinVar variation 2969118 (VCV002969118.4), dbSNP rs559528896, ClinGen allele CA6463802.